The following is an entry in ClinVar:

ClinVar aggregate classification (germline): Uncertain significance (1 of 4 stars; one submission).

Allele frequency attached by ClinVar (database versions not stated): gnomAD exomes 0.00001 and 0.00002; ExAC 0.00002; TOPMed 0.00002; gnomAD 0.00003.
gnomAD v4.1: 17 of 1,609,590 alleles (0.0011%); highest among the groups gnomAD compares: Middle Eastern, 0.016%; no homozygotes.

Submission:

Labcorp Genetics (formerly Invitae), Labcorp
Classification: Uncertain significance. Last evaluated: 2022-08-09. Review status: criteria provided, single submitter. Criteria: Invitae Variant Classification Sherloc (09022015). Collection method: clinical testing. Allele origin: germline.
Comment: This sequence change replaces valine, which is neutral and non-polar, with isoleucine, which is neutral and non-polar, at codon 491 of the TRAF3IP1 protein (p.Val491Ile). This variant is present in population databases (rs753096625, gnomAD 0.02%). This variant has not been reported in the literature in individuals affected with TRAF3IP1-related conditions. ClinVar contains an entry for this variant (Variation ID: 1005310). Algorithms developed to predict the effect of missense changes on protein structure and function output the following: SIFT: "Tolerated"; PolyPhen-2: "Possibly Damaging"; Align-GVGD: "Class C0". The isoleucine amino acid residue is found in multiple mammalian species, which suggests that this missense change does not adversely affect protein function. In summary, the available evidence is currently insufficient to determine the role of this variant in disease. Therefore, it has been classified as a Variant of Uncertain Significance.

NM_015650.4(TRAF3IP1):c.1471G>A (p.Val491Ile)

Gene: TRAF3IP1 (TRAF3 interacting protein 1; plus strand). Cytogenetic location: 2q37.3.
Variant type: single nucleotide variant.
Coding change: c.1471G>A on transcript NM_015650.4 (MANE Select); coding-DNA position 1471, G replaced by A.
Protein change: p.Val491Ile; replaces valine 491 with isoleucine.
Molecular consequence: missense variant.
Genome position (GRCh38, 1-based): chr2:238,352,846, G>A. VCF-style: chr2-238352846-G-A. GRCh37 (hg19) VCF-style: chr2-239261487-G-A.
Other names: c.1273G>A, p.Val425Ile (NM_001139490.1); short protein forms V425I, V491I.
Identifiers: ClinVar variation 1005310 (VCV001005310.4), dbSNP rs753096625, ClinGen allele CA2198465.